The following is an entry in ClinVar:

NM_000089.4(COL1A2):c.3785A>G (p.Asn1262Ser)

Gene: COL1A2 (collagen type I alpha 2 chain; plus strand). Cytogenetic location: 7q21.3.
Variant type: single nucleotide variant.
Coding change: c.3785A>G on transcript NM_000089.4 (MANE Select); coding-DNA position 3785, A replaced by G.
Protein change: p.Asn1262Ser; replaces asparagine 1262 with serine.
Molecular consequence: missense variant.
Genome position (GRCh38, 1-based): chr7:94,429,261, A>G. VCF-style: chr7-94429261-A-G. GRCh37 (hg19) VCF-style: chr7-94058573-A-G.
Other names: short protein forms N1262S.
Identifiers: ClinVar variation 618022 (VCV000618022.9), dbSNP rs1562908780, ClinGen allele CA368226738.

ClinVar aggregate classification (germline): Uncertain significance. Review status: criteria provided, multiple submitters, no conflicts (2 of 4 stars). 2 submissions from 2 submitters: Uncertain significance (2). Last evaluated 2024-09-04.

Conditions:
Cardiovascular phenotype. Identifiers: MedGen CN230736.

Allele frequency attached by ClinVar (database versions not stated): gnomAD exomes below 0.00001.

Submissions (2):

Ambry Genetics
Classification: Uncertain significance for Cardiovascular phenotype. Last evaluated: 2024-09-04. Review status: criteria provided, single submitter. Criteria: Ambry Variant Classification Scheme 2023. Collection method: clinical testing. Allele origin: germline.
Comment: The p.N1262S variant (also known as c.3785A>G), located in coding exon 51 of the COL1A2 gene, results from an A to G substitution at nucleotide position 3785. The asparagine at codon 1262 is replaced by serine, an amino acid with highly similar properties. This amino acid position is highly conserved in available vertebrate species. In addition, this alteration is predicted to be tolerated by in silico analysis. Based on the available evidence, the clinical significance of this variant remains unclear.

ARUP Laboratories, Molecular Genetics and Genomics, ARUP Laboratories
Classification: Uncertain significance. Last evaluated: 2018-06-17. Review status: criteria provided, single submitter. Criteria: ARUP Molecular Germline Variant Investigation Process. Collection method: clinical testing. Allele origin: germline.
Comment: The COL1A2 c.3785A>G; p.Asn1262Ser variant has been described in at least on individual affected with osteogenesis imperfecta (Symoens 2014). It is absent from general population databases (1000 Genomes Project, Exome Variant Server, and Genome Aggregation Database), indicating it is not a common polymorphism. The asparagine at codon 1262 is highly conserved, but computational algorithms (PolyPhen-2: probably damaging, SIFT: tolerated) are inconclusive on the effect of this variant on protein structure and/or function. Due to limited information regarding this variant, its clinical significance cannot be determined with certainty. COL1A2 variant are inherited in an autosomal dominant manner and are associated with osteogenesis imperfecta types II, III, and IV (MIM: 166210, 259420, and 166220) and Ehlers-Danlos syndrome, arthrochalasia type (MIM: 617821). If this variant is later determined to be pathogenic, this patient is predicted to be affected. References: Symoens S et al. Type I procollagen C-propeptide defects: study of genotype-phenotype correlation and predictive role of crystal structure. Hum Mutat. 2014 Nov;35(11):1330-41.